The following is an entry in ClinVar:

NM_003290.3(TPM4):c.150C>T (p.Ala50=)

Gene: TPM4 (tropomyosin 4; plus strand). Cytogenetic location: 19p13.12.
Variant type: single nucleotide variant.
Coding change: c.150C>T on transcript NM_003290.3 (MANE Select); coding-DNA position 150, C replaced by T.
Protein change: p.Ala50=; no amino-acid change (alanine 50 retained).
Molecular consequence: synonymous variant.
Genome position (GRCh38, 1-based): chr19:16,081,930, C>T. VCF-style: chr19-16081930-C-T. GRCh37 (hg19) VCF-style: chr19-16192740-C-T.
Other names: p.Ala86=; c.258C>T, p.Ala86= (NM_001145160.2); c.210C>T, p.Ala70= (NM_001367836.1); c.150C>T, p.Ala50= (NM_001367837.2); c.141C>T, p.Ala47= (NM_001367838.1).
Identifiers: ClinVar variation 4684330 (VCV004684330.1).

ClinVar aggregate classification (germline): Likely benign (1 of 4 stars; one submission).

gnomAD v4.1: 1,027 of 1,598,498 alleles (0.064%); highest among the groups gnomAD compares: African/African-American, 1.1%; 6 homozygotes.

Submission:

Mayo Clinic Laboratories, Mayo Clinic
Classification: Likely benign. Last evaluated: 2025-04-14. Review status: criteria provided, single submitter. Criteria: ACMG Guidelines, 2015. Collection method: clinical testing. Allele origin: germline. Observed: 1 variant allele.
Comment: BS1, BP4, BP7